The following is an entry in ClinVar:

NM_000179.3(MSH6):c.3477C>A (p.Tyr1159Ter)

Gene: MSH6 (mutS homolog 6; plus strand). Cytogenetic location: 2p16.3.
Variant type: single nucleotide variant.
Coding change: c.3477C>A on transcript NM_000179.3 (MANE Select); coding-DNA position 3477, C replaced by A.
Protein change: p.Tyr1159Ter; replaces tyrosine 1159 with a stop codon.
Molecular consequence: nonsense.
Genome position (GRCh38, 1-based): chr2:47,804,948, C>A. VCF-style: chr2-47804948-C-A. GRCh37 (hg19) VCF-style: chr2-48032087-C-A.
Other names: NP_000170.1:p.Tyr1159*; c.3087C>A, p.Tyr1029Ter (NM_001281492.2); c.2571C>A, p.Tyr857Ter (NM_001281493.2, NM_001281494.2); short protein forms Y1159*, Y857*, Y1029*.
Identifiers: ClinVar variation 92577 (VCV000092577.37), dbSNP rs398123231, ClinGen allele CA013011.
Genomic context (GRCh38, chr2:47,804,948, plus strand): 5'-CCTTTTCCTCCCTCATTCACAGGCTGGCTTATTAGCTGTAATGGCCCAGATGGGTTGTTA[C>A]GTCCCTGCTGAAGTGTGCAGGCTCACACCAATTGATAGAGTGTTTACTAGACTTGGTGCC-3'

ClinVar aggregate classification (germline): Pathogenic/Likely pathogenic. Review status: criteria provided, multiple submitters, no conflicts (2 of 4 stars). 15 submissions from 15 submitters: Pathogenic (10); Likely pathogenic (2). 3 of the submissions do not count toward it. Last evaluated 2026-07-06.

Conditions:
MSH6-related disorder. Also called: MSH6-related condition; MSH6-Related disorders.
Lynch-like syndrome.
Hereditary nonpolyposis colon cancer (HNPCC). Also called: Hereditary nonpolyposis colorectal cancer; Familial nonpolyposis colon cancer; Hereditary Nonpolyposis Colorectal Cancer Syndrome. Identifiers: Orphanet 443909, MedGen C1333990, MONDO:0018630. Disease mechanism: loss of function.
Hereditary nonpolyposis colorectal neoplasms. Identifiers: MedGen C0009405, MeSH D003123.
Hereditary cancer-predisposing syndrome. Also called: Neoplastic Syndromes, Hereditary; Tumor predisposition; Hereditary Cancer Syndrome; Hereditary neoplastic syndrome. Identifiers: Orphanet 140162, MedGen C0027672, MeSH D009386, MONDO:0015356.
Lynch syndrome. Identifiers: Orphanet 144, MedGen C4552100, MONDO:0005835. Disease mechanism: loss of function.
Carcinoma of colon (CRC). Also called: Colon carcinoma; Colonic carcinoma. Identifiers: MedGen C0699790, MONDO:0002032.
Endometrial carcinoma. Also called: Endometrial carcinoma, somatic. Identifiers: MedGen C0476089, MONDO:0002447, OMIM 608089, HP:0012114.
Lynch syndrome 5 (LYNCH5). Also called: Colorectal cancer, hereditary nonpolyposis, type 5; Hereditary non-polyposis colorectal cancer, type 5. Identifiers: Orphanet 144, MedGen C1833477, MONDO:0013710, OMIM 614350. Disease mechanism: loss of function.

Allele frequency attached by ClinVar (database versions not stated): TOPMed 0.00002.
gnomAD v4.1: 3 of 1,614,014 alleles (0.00019%); highest among the groups gnomAD compares: Non-Finnish European, 0.00025%; no homozygotes.

Submissions (15):

KCCC/NGS Laboratory, Kuwait Cancer Control Center
Classification: Pathogenic for Lynch syndrome 5. Last evaluated: 2026-07-06. Review status: criteria provided, single submitter. Criteria: ACMG Guidelines, 2015. Collection method: clinical testing. Allele origin: germline. Inheritance: Autosomal dominant inheritance. Affected: yes.
Comment: A known pathogenic mutation was detected in MSH6 gene

Ambry Genetics
Classification: Pathogenic for Hereditary cancer-predisposing syndrome. Last evaluated: 2025-10-29. Review status: criteria provided, single submitter. Criteria: Ambry Variant Classification Scheme 2023. Collection method: clinical testing. Allele origin: germline.
Comment: The p.Y1159* pathogenic mutation (also known as c.3477C>A), located in coding exon 6 of the MSH6 gene, results from a C to A substitution at nucleotide position 3477. This changes the amino acid from a tyrosine to a stop codon within coding exon 6. This mutation was identified in a single French family suspected of Lynch syndrome in one study (Bonadona V et al. JAMA 2011 Jun;305:2304-10). This variant is considered to be rare based on population cohorts in the Genome Aggregation Database (gnomAD). In addition to the clinical data presented in the literature, this alteration is expected to result in loss of function by premature protein truncation or nonsense-mediated mRNA decay. As such, this alteration is interpreted as a disease-causing mutation.

Color Diagnostics, LLC DBA Color Health
Classification: Pathogenic for Hereditary cancer-predisposing syndrome. Last evaluated: 2025-08-19. Review status: criteria provided, single submitter. Criteria: ACMG Guidelines, 2015. Collection method: clinical testing. Allele origin: germline.
Comment: This variant changes 1 nucleotide in exon 6/10 of the MSH6 gene, creating a premature translation stop signal. This variant is expected to result in an absent or non-functional protein product. This variant has been reported in individuals affected with colorectal cancer, endometrial cancer, and sebaceoma (PMID: 15583832, 21642682, 21868491, 33630411, 33693762). This variant has not been identified in the general population by the Genome Aggregation Database (gnomAD). Loss of MSH6 function is a known mechanism of disease. Based on the available evidence, this variant is classified as Pathogenic.

Labcorp Genetics (formerly Invitae), Labcorp
Classification: Pathogenic for Hereditary nonpolyposis colorectal neoplasms. Last evaluated: 2025-02-05. Review status: criteria provided, single submitter. Criteria: Invitae Variant Classification Sherloc (09022015). Collection method: clinical testing. Allele origin: germline.
Comment: This sequence change creates a premature translational stop signal (p.Tyr1159*) in the MSH6 gene. It is expected to result in an absent or disrupted protein product. Loss-of-function variants in MSH6 are known to be pathogenic (PMID: 18269114, 24362816). This variant is not present in population databases (gnomAD no frequency). This premature translational stop signal has been observed in individual(s) with Lynch syndrome-associated cancers (PMID: 21642682, 21868491). Invitae Evidence Modeling of clinical and family history, age, sex, and reported ancestry of multiple individuals with this MSH6 variant has been performed. This variant is expected to be pathogenic with a positive predictive value of at least 99%. This is a validated machine learning model that incorporates the clinical features of 1,370,736 individuals referred to our laboratory for MSH6 testing. ClinVar contains an entry for this variant (Variation ID: 92577). Algorithms developed to predict the effect of sequence changes on RNA splicing suggest that this variant may disrupt the consensus splice site. For these reasons, this variant has been classified as Pathogenic.

GeneDx
Classification: Pathogenic. Last evaluated: 2024-03-12. Review status: criteria provided, single submitter. Criteria: GeneDx Variant Classification Process June 2021. Collection method: clinical testing. Allele origin: germline. Affected: yes.
Comment: Nonsense variant predicted to result in protein truncation or nonsense mediated decay in a gene for which loss of function is a known mechanism of disease; Truncating variants in this gene are considered pathogenic by a well-established clinical consortium and/or database; Observed in individuals with a personal and/or family history consistent with pathogenic variants in this gene (PMID: 21642682, 21868491, 33693762); Not observed at significant frequency in large population cohorts (gnomAD); This variant is associated with the following publications: (PMID: 21642682, 21868491, 28502729, 32719484, 33630411, 36974006, 33693762)

Myriad Genetics, Inc.
Classification: Pathogenic for Lynch syndrome 5. Last evaluated: 2023-08-23. Review status: criteria provided, single submitter. Criteria: Myriad Autosomal Dominant, Autosomal Recessive and X-Linked Classification Criteria (2023). Collection method: clinical testing. Allele origin: unknown.
Comment: This variant is considered pathogenic. This variant creates a termination codon and is predicted to result in premature protein truncation.

Baylor Genetics
Classification: Pathogenic for Endometrial carcinoma. Last evaluated: 2023-08-21. Review status: criteria provided, single submitter. Criteria: ACMG Guidelines, 2015. Collection method: clinical testing. Allele origin: unknown.

Blueprint Genetics
Classification: Pathogenic for MSH6-related disorders. Last evaluated: 2023-08-21. Review status: criteria provided, single submitter. Criteria: ACMG Guidelines, 2015. Collection method: clinical testing. Allele origin: germline. Affected: yes. Observed: 2 variant alleles.

Women's Health and Genetics/Laboratory Corporation of America, LabCorp
Classification: Pathogenic for Hereditary nonpolyposis colon cancer. Last evaluated: 2022-05-02. Review status: criteria provided, single submitter. Criteria: LabCorp Variant Classification Summary - May 2015. Collection method: clinical testing. Allele origin: germline.
Comment: Variant summary: MSH6 c.3477C>A (p.Tyr1159X) results in a premature termination codon, predicted to cause a truncation of the encoded protein or absence of the protein due to nonsense mediated decay, which are commonly known mechanisms for disease. Truncations downstream of this position have been classified as pathogenic by our laboratory. The variant was absent in 251396 control chromosomes. c.3477C>A has been reported in the literature in individuals affected with Lynch Syndrome (example, Bonadona_2011, Perez-Carbonell_2011, Marignol_2008, Rey_2017, Ferrer-Avargues_2021, Post_2021). These data indicate that the variant is likely to be associated with disease. Four clinical diagnostic laboratories have submitted clinical-significance assessments for this variant to ClinVar after 2014 without evidence for independent evaluation. All laboratories classified the variant as pathogenic/likely pathogenic. Based on the evidence outlined above, the variant was classified as pathogenic.

Genetics and Molecular Pathology, SA Pathology
Classification: Likely pathogenic for Lynch syndrome. Last evaluated: 2021-07-01. Review status: criteria provided, single submitter. Criteria: ACMG Guidelines, 2015. Collection method: clinical testing. Allele origin: germline.

Eurofins Ntd Llc (ga)
Classification: Pathogenic. Last evaluated: 2013-06-07. Review status: criteria provided, single submitter. Criteria: EGL Classification Definitions 2015. Collection method: clinical testing. Allele origin: germline. Observed: 1 variant allele, 1 heterozygote.

Juno Genomics, Hangzhou Juno Genomics, Inc
Classification: Likely pathogenic for Lynch syndrome 5. Review status: criteria provided, single submitter. Criteria: ACMG Guidelines, 2015. Collection method: clinical testing. Allele origin: germline.
Comment: Null variant in a gene where loss of function (LOF) is a known mechanism of disease.;Absent from controls (or at extremely low frequency if recessive) in Genome Aggregation Database.

Constitutional Genetics Lab, Leon Berard Cancer Center
Classification: Pathogenic for Lynch-like syndrome. Last evaluated: 2019-07-01. Review status: no assertion criteria provided. Collection method: clinical testing. Allele origin: somatic. Affected: yes. Not counted in ClinVar's aggregate classification.

Department of Pathology and Laboratory Medicine, Sinai Health System
Classification: Likely pathogenic for Carcinoma of colon. Review status: no assertion criteria provided. Collection method: clinical testing. Allele origin: unknown. Affected: yes. Study: The Canadian Open Genetics Repository (COGR). Not counted in ClinVar's aggregate classification.
Comment: The MSH6 p.Tyr1159* variant was identified in 2 of 5260 proband chromosomes (frequency: 0.0004) from individuals or families with colon cancer (Bonadona 2011, Perez-Cabornell 2011). The variant was also identified in dbSNP (ID: rs398123231) as â€šÃ„ÃºWith Pathogenic, Uncertain significance allele"), ClinVar (classified as pathogenic by Invitae, Ambry Genetics, and two other clinical laboratories), UMD-LSDB (12x as causal), and in Insight InSiGHT Hereditary Tumors databases. The variant was not identified in the COGR, Cosmic, MutDB, Zhejiang University Database, and or Mismatch Repair Genes Variant databases. The variant was not identified in the following control databases: the 1000 Genomes Project, the NHLBI GO Exome Sequencing Project, the Exome Aggregation Consortium (August 8th 2016), or the Genome Aggregation Database (Feb 27, 2017). The p.Tyr1159* variant leads to a premature stop codon at position 1159, which is predicted to lead to a truncated or absent protein and loss of function. Loss of function variants of the MSH6 gene are an established mechanism of disease in Lynch syndrome and this is the type of variant expected to cause the disorder. In summary, based on the above information this variant meets our laboratoryâ€šÃ„Ã´s criteria to be classified as pathogenic.

Mayo Clinic Laboratories, Mayo Clinic
Classification: Pathogenic. Review status: no assertion criteria provided. Collection method: research. Allele origin: unknown. Observed: 1 variant allele. Not counted in ClinVar's aggregate classification.

Literature cited by the submitters: PubMed 21642682 (cited by 4 submitters); PubMed 15583832 (cited by Color Diagnostics, LLC DBA Color Health); PubMed 21868491 (cited by 3 submitters); PubMed 33630411 (cited by Color Diagnostics, LLC DBA Color Health and Women's Health and Genetics/Laboratory Corporation of America, LabCorp); PubMed 33693762 (cited by Color Diagnostics, LLC DBA Color Health and Women's Health and Genetics/Laboratory Corporation of America, LabCorp); PubMed 18269114 (cited by Labcorp Genetics (formerly Invitae), Labcorp); PubMed 24362816 (cited by Labcorp Genetics (formerly Invitae), Labcorp); PubMed 28502729 (cited by Women's Health and Genetics/Laboratory Corporation of America, LabCorp).